The following is an entry in ClinVar:

ClinVar aggregate classification (germline): Uncertain significance. Review status: criteria provided, multiple submitters, no conflicts (2 of 4 stars). 2 submissions from 2 submitters: Uncertain significance (2). Last evaluated 2024-07-23.

Conditions:
Hypogonadotropic hypogonadism 5 with or without anosmia (KAL5). Also called: HYPOGONADOTROPIC HYPOGONADISM 5 WITH ANOSMIA; HYPOGONADOTROPHIC HYPOGONADISM 5 WITHOUT ANOSMIA; CHD7-Related GnRH Deficiency (Kallmann Syndrome 5). Identifiers: Orphanet 478, MedGen C3552553, MONDO:0012880, OMIM 612370. Disease mechanism: loss of function.
CHARGE syndrome (CHARGE). Also called: Hittner Hirsch Kreh syndrome; Coloboma, heart anomaly, choanal atresia, retardation, genital and ear anomalies; CHARGE association; Hall-Hittner syndrome; CHARGE ASSOCIATION--COLOBOMA, HEART ANOMALY, CHOANAL ATRESIA, RETARDATION, GENITAL AND EAR ANOMALIES. Identifiers: Orphanet 138, MedGen C0265354, MONDO:0008965.

Allele frequency attached by ClinVar (database versions not stated): gnomAD 0.00001; TOPMed 0.00002.
gnomAD v4.1: 12 of 1,613,744 alleles (0.00074%); highest among the groups gnomAD compares: African/African-American, 0.0013%; 1 homozygote.

Submissions (2):

Labcorp Genetics (formerly Invitae), Labcorp
Classification: Uncertain significance for CHARGE syndrome. Last evaluated: 2024-07-23. Review status: criteria provided, single submitter. Criteria: Invitae Variant Classification Sherloc (09022015). Collection method: clinical testing. Allele origin: germline.
Comment: This sequence change replaces threonine, which is neutral and polar, with alanine, which is neutral and non-polar, at codon 229 of the CHD7 protein (p.Thr229Ala). This variant is not present in population databases (gnomAD no frequency). This variant has not been reported in the literature in individuals affected with CHD7-related conditions. ClinVar contains an entry for this variant (Variation ID: 1004389). Advanced modeling of protein sequence and biophysical properties (such as structural, functional, and spatial information, amino acid conservation, physicochemical variation, residue mobility, and thermodynamic stability) performed at Invitae indicates that this missense variant is not expected to disrupt CHD7 protein function with a negative predictive value of 95%. In summary, the available evidence is currently insufficient to determine the role of this variant in disease. Therefore, it has been classified as a Variant of Uncertain Significance.

Fulgent Genetics
Classification: Uncertain significance for CHD7-related CHARGE syndrome; Hypogonadotropic hypogonadism 5 with or without anosmia. Last evaluated: 2024-05-09. Review status: criteria provided, single submitter. Criteria: ACMG Guidelines, 2015. Collection method: clinical testing. Allele origin: germline.

NM_017780.4(CHD7):c.685A>G (p.Thr229Ala)

Gene: CHD7 (chromodomain helicase DNA binding protein 7; plus strand). Cytogenetic location: 8q12.2.
Variant type: single nucleotide variant.
Coding change: c.685A>G on transcript NM_017780.4 (MANE Select); coding-DNA position 685, A replaced by G.
Protein change: p.Thr229Ala; replaces threonine 229 with alanine.
Molecular consequence: missense variant.
Genome position (GRCh38, 1-based): chr8:60,742,117, A>G. VCF-style: chr8-60742117-A-G. GRCh37 (hg19) VCF-style: chr8-61654676-A-G.
Other names: c.685A>G, p.Thr229Ala (NM_001316690.1); short protein forms T229A.
Identifiers: ClinVar variation 1004389 (VCV001004389.9), dbSNP rs767816305, ClinGen allele CA371298812.
Genomic context (GRCh38, chr8:60,742,117, plus strand): 5'-AGGATGAGCCAGTTTTCCCAAGGCCAAGAGGGCCTCAATCAGGGAAATCCTTTTATTGCC[A>G]CCTCAGGACCTGGCCACTTGTCCCACGTGCCCCAGCAGAGTCCCAGCATGGCACCTTCCT-3'
Protein context (NP_060250.2, residues 219-239): GLNQGNPFIA[Thr229Ala]SGPGHLSHVP